The following is an entry in ClinVar:

NM_003850.3(SUCLA2):c.225T>C (p.Tyr75=)

Gene: SUCLA2 (succinate-CoA ligase ADP-forming subunit beta; minus strand). Cytogenetic location: 13q14.2.
Variant type: single nucleotide variant.
Coding change: c.225T>C on transcript NM_003850.3 (MANE Select); coding-DNA position 225, T replaced by C.
Protein change: p.Tyr75=; no amino-acid change (tyrosine 75 retained).
Molecular consequence: synonymous variant.
Genome position (GRCh38, 1-based): chr13:47,996,889, A>G on the plus strand (T>C on the coding strand, the complement: SUCLA2 is on the minus strand). VCF-style: chr13-47996889-A-G. GRCh37 (hg19) VCF-style: chr13-48571024-A-G.
Identifiers: ClinVar variation 3048783 (VCV003048783.3), dbSNP rs755889049, ClinGen allele CA6978063.

ClinVar aggregate classification (germline): Likely benign. Review status: criteria provided, single submitter (1 of 4 stars). 2 submissions from 2 submitters: Likely benign (1). 1 of the submissions does not count toward it. Last evaluated 2025-03-04.

Conditions:
SUCLA2-related disorder. Also called: SUCLA2-related condition.
Mitochondrial DNA depletion syndrome, encephalomyopathic form with methylmalonic aciduria (MTDPS5). Also called: MITOCHONDRIAL DNA DEPLETION SYNDROME, ENCEPHALOMYOPATHIC FORM, WITH OR WITHOUT METHYLMALONIC ACIDURIA, AUTOSOMAL RECESSIVE, SUCLA2-RELATED; Mitochondrial DNA depletion syndrome 5 (encephalomyopathic with or without methylmalonic aciduria); SUCLA2-Related Mitochondrial DNA Depletion Syndrome, Encephalomyopathic Form with Methylmalonic Aciduria; Mitochondrial encephalomyopathy aminoacidopathy. Identifiers: Orphanet 1933, MedGen C5980207, MONDO:0012791, OMIM 612073.

Allele frequency attached by ClinVar (database versions not stated): gnomAD exomes below 0.00001; ExAC 0.00001; gnomAD 0.00001; TOPMed 0.00002.
gnomAD v4.1: 4 of 1,613,862 alleles (0.00025%); highest among the groups gnomAD compares: African/African-American, 0.004%; no homozygotes.

Submissions (2):

Labcorp Genetics (formerly Invitae), Labcorp
Classification: Likely benign for Mitochondrial DNA depletion syndrome, encephalomyopathic form with methylmalonic aciduria. Last evaluated: 2025-03-04. Review status: criteria provided, single submitter. Criteria: Invitae Variant Classification Sherloc (09022015). Collection method: clinical testing. Allele origin: germline.

PreventionGenetics, part of Exact Sciences
Classification: Likely benign for SUCLA2-related condition. Last evaluated: 2023-03-09. Review status: no assertion criteria provided. Collection method: clinical testing. Allele origin: germline. Not counted in ClinVar's aggregate classification.
Comment: This variant is classified as likely benign based on ACMG/AMP sequence variant interpretation guidelines (Richards et al. 2015 PMID: 25741868, with internal and published modifications).